The following is an entry in ClinVar:

ClinVar aggregate classification (germline): Pathogenic (1 of 4 stars; one submission).

Conditions:
Early-infantile DEE. Also called: Early infantile epileptic encephalopathy; Ohtahara syndrome; Early infantile epileptic encephalopathy with suppression bursts. Identifiers: Orphanet 1934, MedGen C0393706, MONDO:0800491.

Submission:

Labcorp Genetics (formerly Invitae), Labcorp
Classification: Pathogenic for Early-infantile DEE. Last evaluated: 2022-07-14. Review status: criteria provided, single submitter. Criteria: Invitae Variant Classification Sherloc (09022015). Collection method: clinical testing. Allele origin: germline.
Comment: For these reasons, this variant has been classified as Pathogenic. This variant disrupts a region of the SCN1A protein in which other variant(s) (p.Arg1924Leufs*8) have been determined to be pathogenic (PMID: 27465585). This suggests that this is a clinically significant region of the protein, and that variants that disrupt it are likely to be disease-causing. This variant has not been reported in the literature in individuals affected with SCN1A-related conditions. This variant is not present in population databases (gnomAD no frequency). This sequence change creates a premature translational stop signal (p.Met1619*) in the SCN1A gene. While this is not anticipated to result in nonsense mediated decay, it is expected to disrupt the last 391 amino acid(s) of the SCN1A protein.

Literature cited by the submitters: PubMed 27465585.

NM_001165963.4(SCN1A):c.4854_4855insTA (p.Met1619Ter)

Genes: SCN1A (sodium voltage-gated channel alpha subunit 1; minus strand), LOC102724058 (uncharacterized LOC102724058; plus strand). Cytogenetic location: 2q24.3.
Variant type: Insertion.
Coding change: c.4854_4855insTA on transcript NM_001165963.4 (MANE Select); coding-DNA positions 4854 to 4855, TA inserted.
Protein change: p.Met1619Ter; replaces methionine 1619 with a stop codon.
Molecular consequence: nonsense. On other transcripts: non-coding transcript variant (1).
Genome position: GRCh38 VCF-style: chr2-165992420-T-TTA. GRCh37 (hg19) VCF-style: chr2-166848930-T-TTA.
Other names: c.4770_4771insTA, p.Met1591Ter (NM_001165964.3, NM_001353957.2, NM_001353958.2); c.4854_4855insTA, p.Met1619Ter (NM_001202435.3, NM_001353948.2); c.4821_4822insTA, p.Met1608Ter (NM_001353949.2, NM_001353950.2, NM_001353951.2 and 2 more transcripts); c.4818_4819insTA, p.Met1607Ter (NM_001353954.2, NM_001353955.2); c.4767_4768insTA, p.Met1590Ter (NM_001353960.2); c.2412_2413insTA, p.Met805Ter (NM_001353961.2); short protein forms M1607*, M1619*, M805*, M1591*, M1590*, M1608*.
Identifiers: ClinVar variation 2016909 (VCV002016909.4), dbSNP rs2468341813, ClinGen allele CA2580064448.